The following is an entry in ClinVar:

NM_000062.3(SERPING1):c.594_600del (p.Tyr199fs)

Gene: SERPING1 (serpin family G member 1; plus strand). Cytogenetic location: 11q12.1.
Variant type: Deletion.
Coding change: c.594_600del on transcript NM_000062.3 (MANE Select); coding-DNA positions 594 to 600, 7 bases deleted (TTACCCC; older notation c.594_600delTTACCCC).
Protein change: p.Tyr199fs; shifts the reading frame from tyrosine 199.
Molecular consequence: frameshift variant.
Genome position (GRCh38, 1-based): chr11:57,602,078-57,602,084, TTACCCC deleted; deleting any 7 consecutive bases within chr11:57,602,077-57,602,084 gives the same sequence; the c. name uses the placement nearest the transcript's 3' end. VCF-style (leftmost placement, unchanged base first): chr11-57602076-TCTTACCC-T. GRCh37 (hg19) VCF-style: chr11-57369549-TCTTACCC-T.
Other names: c.594_600del, p.Tyr199fs (NM_001032295.2); short protein forms Y199fs.
Identifiers: ClinVar variation 3336828 (VCV003336828.2).

ClinVar aggregate classification (germline): Pathogenic (1 of 4 stars; one submission).

Conditions:
Hereditary angioedema type 1 (HAE1). Identifiers: Orphanet 100050, Orphanet 100051, Orphanet 91378, MedGen C2717906, MONDO:0015053, OMIM 106100.

Submission:

DNA-diagnostics Laboratory, Research Centre For Medical Genetics
Classification: Pathogenic for Hereditary angioedema type 1. Last evaluated: 2024-08-10. Review status: criteria provided, single submitter. Criteria: ACMG Guidelines, 2015. Collection method: research. Allele origin: germline. Inheritance: Autosomal dominant inheritance. Affected: yes. Observed: 1 heterozygote.
Comment: The pathogenic or likely pathogenic SERPING1 gene variants are detected in >90% of the HAE1/2 families and in >80% of the total HAE families (e.g., DOI: 10.1016/j.molimm.2008.05.007, 10.1159/2F000138883, 10.1016/j.molimm.2011.07.010). Across all SERPING1 gene exons, about 50% of the pathogenic or likely pathogenic variants associated with HAE are LoF (173/297 in ClinVar or 292/596 in HGMD 2022.1). According to our observation the c.594_600del variant in SERPING1 meets ACMG/ClinGen SVI guidance criteria to be classified as pathogenic: PVS1, PP4_Mod, PM2_Sup